The following is an entry in ClinVar:

NM_001111.5(ADAR):c.1754C>T (p.Ser585Phe)

Gene: ADAR (adenosine deaminase RNA specific; minus strand). Cytogenetic location: 1q21.3.
Variant type: single nucleotide variant.
Coding change: c.1754C>T on transcript NM_001111.5 (MANE Select); coding-DNA position 1754, C replaced by T.
Protein change: p.Ser585Phe; replaces serine 585 with phenylalanine.
Molecular consequence: missense variant.
Genome position (GRCh38, 1-based): chr1:154,598,433, G>A on the plus strand (C>T on the coding strand, the complement: ADAR is on the minus strand). VCF-style: chr1-154598433-G-A. GRCh37 (hg19) VCF-style: chr1-154570909-G-A.
Other names: c.869C>T, p.Ser290Phe (NM_001025107.3, NM_001193495.2, NM_001365046.1 and 3 more transcripts); c.1781C>T, p.Ser594Phe (NM_001365045.1); c.1754C>T, p.Ser585Phe (NM_015840.4, NM_015841.4); short protein forms S290F, S585F, S594F.
Identifiers: ClinVar variation 2047381 (VCV002047381.4), dbSNP rs2526612346, ClinGen allele CA342639279.
Genomic context (GRCh38, chr1:154,598,433, plus strand): 5'-ATCCTCCCAGATGGCAGGAGGACACCTACCTTCTCTGATTCTTTCTCTGTGGAATAGTGG[G>A]ATGATTCTTCTGATTTTCCACTGTCCTTGGCTTTGGCTTCCTCTAGCAGAATTGTCATGG-3'
Protein context (NP_001102.3, residues 575-595): AKDSGKSEES[Ser585Phe]HYSTEKESEK

ClinVar aggregate classification (germline): Uncertain significance (1 of 4 stars; one submission).

Conditions:
Symmetrical dyschromatosis of extremities (DSH). Also called: RETICULATE ACROPIGMENTATION OF DOHI; SYMMETRIC DYSCHROMATOSIS OF THE EXTREMITIES; DYSCHROMATOSIS SYMMETRICA HEREDITARIA 1; Dyschromatosis symmetrica hereditaria. Identifiers: Orphanet 41, MedGen C0406775, MONDO:0007483, OMIM 127400.
Aicardi-Goutieres syndrome 6 (AGS6). Identifiers: Orphanet 51, MedGen C3539013, MONDO:0014007, OMIM 615010.

Allele frequency attached by ClinVar (database versions not stated): gnomAD exomes below 0.00001.
gnomAD v4.1: 4 of 1,614,030 alleles (0.00025%); highest among the groups gnomAD compares: Non-Finnish European, 0.00034%; no homozygotes.

Submission:

Labcorp Genetics (formerly Invitae), Labcorp
Classification: Uncertain significance for Aicardi-Goutieres syndrome 6; Symmetrical dyschromatosis of extremities. Last evaluated: 2021-12-18. Review status: criteria provided, single submitter. Criteria: Invitae Variant Classification Sherloc (09022015). Collection method: clinical testing. Allele origin: germline.
Comment: This sequence change replaces serine, which is neutral and polar, with phenylalanine, which is neutral and non-polar, at codon 585 of the ADAR protein (p.Ser585Phe). This variant is not present in population databases (gnomAD no frequency). In summary, the available evidence is currently insufficient to determine the role of this variant in disease. Therefore, it has been classified as a Variant of Uncertain Significance. Algorithms developed to predict the effect of missense changes on protein structure and function (SIFT, PolyPhen-2, Align-GVGD) all suggest that this variant is likely to be tolerated. This variant has not been reported in the literature in individuals affected with ADAR-related conditions.